The following is an entry in ClinVar:

NM_207352.4(CYP4V2):c.219T>A (p.Phe73Leu)

Gene: CYP4V2 (cytochrome P450 family 4 subfamily V member 2; plus strand). Cytogenetic location: 4q35.1.
Variant type: single nucleotide variant.
Coding change: c.219T>A on transcript NM_207352.4 (MANE Select); coding-DNA position 219, T replaced by A.
Protein change: p.Phe73Leu; replaces phenylalanine 73 with leucine.
Molecular consequence: missense variant.
Genome position (GRCh38, 1-based): chr4:186,194,504, T>A. VCF-style: chr4-186194504-T-A. GRCh37 (hg19) VCF-style: chr4-187115658-T-A.
Other names: short protein forms F73L.
Identifiers: ClinVar variation 2734687 (VCV002734687.4), dbSNP rs754919490, ClinGen allele CA3162476.
Genomic context (GRCh38, chr4:186,194,504, plus strand): 5'-TACTGGTCACAACTTTCTCATCTTGATTGAATTTCAAATTTGATGTTTTTCCCCAGAATT[T>A]TTTCAGCAGATCATTGAGTACACAGAGGAATACCGCCACATGCCGCTGCTGAAGCTCTGG-3'
Protein context (NP_997235.3, residues 63-83): ALLMKPDGRE[Phe73Leu]FQQIIEYTEE

ClinVar aggregate classification (germline): Pathogenic/Likely pathogenic. Review status: criteria provided, multiple submitters, no conflicts (2 of 4 stars). 2 submissions from 2 submitters: Pathogenic (1); Likely pathogenic (1). Last evaluated 2022-11-28.

Conditions:
CYP4V2-related disorder. Also called: CYP4V2-related disorders; CYP4V2-related condition.

Allele frequency attached by ClinVar (database versions not stated): ExAC 0.00001.

Submissions (2):

Labcorp Genetics (formerly Invitae), Labcorp
Classification: Pathogenic. Last evaluated: 2022-11-28. Review status: criteria provided, single submitter. Criteria: Invitae Variant Classification Sherloc (09022015). Collection method: clinical testing. Allele origin: germline.
Comment: This missense change has been observed in individual(s) with Bietti crystalline dystrophy (PMID: 24739949, 33090715). This sequence change replaces phenylalanine, which is neutral and non-polar, with leucine, which is neutral and non-polar, at codon 73 of the CYP4V2 protein (p.Phe73Leu). This variant is present in population databases (rs754919490, gnomAD 0.006%). Advanced modeling of protein sequence and biophysical properties (such as structural, functional, and spatial information, amino acid conservation, physicochemical variation, residue mobility, and thermodynamic stability) performed at Invitae indicates that this missense variant is not expected to disrupt CYP4V2 protein function. For these reasons, this variant has been classified as Pathogenic.

Blueprint Genetics
Classification: Likely pathogenic for CYP4V2-related disorders. Last evaluated: 2022-08-02. Review status: criteria provided, single submitter. Criteria: ACMG Guidelines, 2015. Collection method: clinical testing. Allele origin: germline. Affected: yes. Observed: 1 variant allele.

Literature cited by the submitters: PubMed 24739949 (cited by Labcorp Genetics (formerly Invitae), Labcorp); PubMed 33090715 (cited by Labcorp Genetics (formerly Invitae), Labcorp).